The following is an entry in ClinVar:

ClinVar aggregate classification (germline): Uncertain significance (1 of 4 stars; one submission).

Conditions:
Epidermolysis bullosa simplex with nail dystrophy (EBS5D). Identifiers: MedGen C4225309, MONDO:0014661, OMIM 616487.
Epidermolysis bullosa simplex, Ogna type (EBS5A). Also called: EPIDERMOLYSIS BULLOSA SIMPLEX 5A, OGNA TYPE; Pidermolysis bullosa simplex 5A, Ogna type. Identifiers: Orphanet 79401, MedGen C0432317, MONDO:0007555, OMIM 131950.
Autosomal recessive limb-girdle muscular dystrophy type 2Q (LGMDR17). Also called: MUSCULAR DYSTROPHY, LIMB-GIRDLE, AUTOSOMAL RECESSIVE 17. Identifiers: Orphanet 254361, MedGen C3150989, MONDO:0013390, OMIM 613723.
Epidermolysis bullosa simplex 5B, with muscular dystrophy (EBS5B). Also called: EPIDERMOLYSIS BULLOSA SIMPLEX AND LIMB-GIRDLE MUSCULAR DYSTROPHY; Epidermolysis bullosa simplex with muscular dystrophy. Identifiers: Orphanet 257, MedGen C2931072, MONDO:0009181, OMIM 226670.
Epidermolysis bullosa simplex 5C, with pyloric atresia (EBS5C). Also called: PLEC-Related Epidermolysis Bullosa with Pyloric Atresia; Epidermolysis bullosa simplex with pyloric atresia; PLEC1-Related Epidermolysis Bullosa with Pyloric Atresia. Identifiers: Orphanet 158684, MedGen C2677349, MONDO:0012807, OMIM 612138.

gnomAD v4.1: 1 of 1,612,408 alleles (0.000062%); highest among the groups gnomAD compares: South Asian, 0.0011%; no homozygotes.

Submission:

Labcorp Genetics (formerly Invitae), Labcorp
Classification: Uncertain significance for Autosomal recessive limb-girdle muscular dystrophy type 2Q; Epidermolysis bullosa simplex, Ogna type; Epidermolysis bullosa simplex with nail dystrophy; Epidermolysis bullosa simplex 5C, with pyloric atresia; Epidermolysis bullosa simplex 5B, with muscular dystrophy. Last evaluated: 2025-02-21. Review status: criteria provided, single submitter. Criteria: Invitae Variant Classification Sherloc (09022015). Collection method: clinical testing. Allele origin: germline.
Comment: This sequence change replaces serine, which is neutral and polar, with arginine, which is basic and polar, at codon 577 of the PLEC protein (p.Ser577Arg). This variant is not present in population databases (gnomAD no frequency). This variant has not been reported in the literature in individuals affected with PLEC-related conditions. Invitae Evidence Modeling of protein sequence and biophysical properties (such as structural, functional, and spatial information, amino acid conservation, physicochemical variation, residue mobility, and thermodynamic stability) indicates that this missense variant is not expected to disrupt PLEC protein function with a negative predictive value of 80%. In summary, the available evidence is currently insufficient to determine the role of this variant in disease. Therefore, it has been classified as a Variant of Uncertain Significance.

NM_201384.3(PLEC):c.1650C>G (p.Ser550Arg)

Gene: PLEC (plectin; minus strand). Cytogenetic location: 8q24.3.
Variant type: single nucleotide variant.
Coding change: c.1650C>G on transcript NM_201384.3 (MANE Select); coding-DNA position 1650, C replaced by G.
Protein change: p.Ser550Arg; replaces serine 550 with arginine.
Molecular consequence: missense variant.
Genome position (GRCh38, 1-based): chr8:143,932,880, G>C on the plus strand (C>G on the coding strand, the complement: PLEC is on the minus strand). VCF-style: chr8-143932880-G-C. GRCh37 (hg19) VCF-style: chr8-145007048-G-C.
Other names: c.1731C>G, p.Ser577Arg (NM_000445.5, NM_001410941.1); c.1608C>G, p.Ser536Arg (NM_201378.4); c.1584C>G, p.Ser528Arg (NM_201379.3); c.2061C>G, p.Ser687Arg (NM_201380.4); c.1554C>G, p.Ser518Arg (NM_201381.3); c.1650C>G, p.Ser550Arg (NM_201382.4); c.1662C>G, p.Ser554Arg (NM_201383.3); short protein forms S528R, S550R, S554R, S577R, S518R, S536R, S687R.
Identifiers: ClinVar variation 4789960 (VCV004789960.1).